The following is an entry in ClinVar:

NM_001458.5(FLNC):c.4940G>T (p.Gly1647Val)

Gene: FLNC (filamin C; plus strand). Cytogenetic location: 7q32.1.
Variant type: single nucleotide variant.
Coding change: c.4940G>T on transcript NM_001458.5 (MANE Select); coding-DNA position 4940, G replaced by T.
Protein change: p.Gly1647Val; replaces glycine 1647 with valine.
Molecular consequence: missense variant.
Genome position (GRCh38, 1-based): chr7:128,849,193, G>T. VCF-style: chr7-128849193-G-T. GRCh37 (hg19) VCF-style: chr7-128489247-G-T.
Other names: c.4940G>T, p.Gly1647Val (NM_001127487.2); short protein forms G1647V.
Identifiers: ClinVar variation 2941395 (VCV002941395.3), dbSNP rs1381713341, ClinGen allele CA369203780.

ClinVar aggregate classification (germline): Uncertain significance (1 of 4 stars; one submission).

Conditions:
Hypertrophic cardiomyopathy 26. Also called: Cardiomyopathy, familial hypertrophic, 26. Identifiers: Orphanet 75249, MedGen C4310749, MONDO:0014883, OMIM 617047.
Myofibrillar myopathy 5. Also called: Filaminopathy (type); FILAMINOPATHY, AUTOSOMAL DOMINANT. Identifiers: Orphanet 171445, MedGen C1836050, MONDO:0012289, OMIM 609524.
Distal myopathy with posterior leg and anterior hand involvement. Also called: WILLIAMS DISTAL MYOPATHY. Identifiers: Orphanet 63273, MedGen C3279722, MONDO:0013550, OMIM 614065.

Submission:

Labcorp Genetics (formerly Invitae), Labcorp
Classification: Uncertain significance for Distal myopathy with posterior leg and anterior hand involvement; Myofibrillar myopathy 5; Hypertrophic cardiomyopathy 26. Last evaluated: 2022-11-08. Review status: criteria provided, single submitter. Criteria: Invitae Variant Classification Sherloc (09022015). Collection method: clinical testing. Allele origin: germline.
Comment: This variant is not present in population databases (gnomAD no frequency). In summary, the available evidence is currently insufficient to determine the role of this variant in disease. Therefore, it has been classified as a Variant of Uncertain Significance. Advanced modeling of protein sequence and biophysical properties (such as structural, functional, and spatial information, amino acid conservation, physicochemical variation, residue mobility, and thermodynamic stability) performed at Invitae indicates that this missense variant is expected to disrupt FLNC protein function. This variant has not been reported in the literature in individuals affected with FLNC-related conditions. This sequence change replaces glycine, which is neutral and non-polar, with valine, which is neutral and non-polar, at codon 1647 of the FLNC protein (p.Gly1647Val).